The following is an entry in ClinVar:

ClinVar aggregate classification (germline): Pathogenic. Review status: criteria provided, single submitter (1 of 4 stars). 2 submissions from 2 submitters: Pathogenic (1). 1 of the submissions does not count toward it. Last evaluated 2022-09-26.

Conditions:
Lymphatic malformation 4 (LMPHM4). Also called: Lymphedema, hereditary, ID. Identifiers: Orphanet 79452, MedGen C4747769, MONDO:0014393, OMIM 615907.

Submissions (2):

GeneDx
Classification: Pathogenic. Last evaluated: 2022-09-26. Review status: criteria provided, single submitter. Criteria: GeneDx Variant Classification Process June 2021. Collection method: clinical testing. Allele origin: germline. Affected: yes.
Comment: Nonsense variant predicted to result in protein truncation or nonsense mediated decay in a gene for which loss of function is a known mechanism of disease; Not observed at significant frequency in large population cohorts (gnomAD); This variant is associated with the following publications: (PMID: 30071673, 29542815, 24744435)

OMIM
Classification: Pathogenic for LYMPHATIC MALFORMATION 4. Last evaluated: 2014-07-01. Review status: no assertion criteria provided. Collection method: literature only. Allele origin: germline. Not counted in ClinVar's aggregate classification.

Literature cited by the submitters: PubMed 24744435 (cited by OMIM).

NM_005429.5(VEGFC):c.628C>T (p.Arg210Ter)

Gene: VEGFC (vascular endothelial growth factor C; minus strand). Cytogenetic location: 4q34.3.
Variant type: single nucleotide variant.
Coding change: c.628C>T on transcript NM_005429.5 (MANE Select); coding-DNA position 628, C replaced by T.
Protein change: p.Arg210Ter; replaces arginine 210 with a stop codon.
Molecular consequence: nonsense.
Genome position (GRCh38, 1-based): chr4:176,711,575, G>A on the plus strand (C>T on the coding strand, the complement: VEGFC is on the minus strand). VCF-style: chr4-176711575-G-A. GRCh37 (hg19) VCF-style: chr4-177632729-G-A.
Other names: c.628C>T (NM_005429.4); short protein forms R210*.
Identifiers: ClinVar variation 140737 (VCV000140737.2), dbSNP rs587777567, ClinGen allele CA163475.